The following is an entry in ClinVar:

ClinVar aggregate classification (germline): Likely benign. Review status: criteria provided, multiple submitters, no conflicts (2 of 4 stars). 6 submissions from 6 submitters: Likely benign (4). 2 of the submissions do not count toward it. Last evaluated 2026-07-01.

Conditions:
Rubinstein-Taybi syndrome (RSTS). Identifiers: Orphanet 783, MedGen C0035934, MONDO:0019188.
CREBBP-related disorder. Also called: CREBBP-related disorders; CREBBP-related condition.
Inborn genetic diseases. Identifiers: MedGen C0950123, MeSH D030342.

Allele frequency attached by ClinVar (database versions not stated): gnomAD 0.00006; TOPMed 0.00013; ExAC 0.00017; gnomAD exomes 0.00017; ESP Exome Variant Server 0.00038.
gnomAD v4.1: 367 of 1,614,022 alleles (0.023%); highest among the groups gnomAD compares: Non-Finnish European, 0.03%; no homozygotes.

Submissions (6):

CeGaT Center for Human Genetics Tuebingen
Classification: Likely benign. Last evaluated: 2026-07-01. Review status: criteria provided, single submitter. Criteria: CeGaT Center For Human Genetics Tuebingen Variant Classification Criteria Version 2. Collection method: clinical testing. Allele origin: germline. Affected: yes. Observed: 1 variant allele.
Comment: CREBBP: PP2, BP4, BS2

Labcorp Genetics (formerly Invitae), Labcorp
Classification: Likely benign for Rubinstein-Taybi syndrome. Last evaluated: 2025-10-07. Review status: criteria provided, single submitter. Criteria: Invitae Variant Classification Sherloc (09022015). Collection method: clinical testing. Allele origin: germline.

Blueprint Genetics
Classification: Likely benign. Last evaluated: 2024-06-17. Review status: criteria provided, single submitter. Criteria: ACMG Guidelines, 2015. Collection method: clinical testing. Allele origin: germline.

Ambry Genetics
Classification: Likely benign for Inborn genetic diseases. Last evaluated: 2017-01-04. Review status: criteria provided, single submitter. Criteria: Ambry Variant Classification Scheme 2023. Collection method: clinical testing. Allele origin: germline.

PreventionGenetics, part of Exact Sciences
Classification: Likely benign for CREBBP-related condition. Last evaluated: 2021-07-16. Review status: no assertion criteria provided. Collection method: clinical testing. Allele origin: germline. Not counted in ClinVar's aggregate classification.
Comment: This variant is classified as likely benign based on ACMG/AMP sequence variant interpretation guidelines (Richards et al. 2015 PMID: 25741868, with internal and published modifications).

ITMI
No classification provided. Condition: AllHighlyPenetrant. Last evaluated: 2013-09-19. Review status: no classification provided. Collection method: reference population. Allele origin: germline. Not counted in ClinVar's aggregate classification.
Comment: Please see associated publication for description of ethnicities

Literature cited by the submitters: PubMed 24728327 (cited by ITMI).

NM_004380.3(CREBBP):c.3029C>T (p.Pro1010Leu)

Gene: CREBBP (CREB binding lysine acetyltransferase; minus strand). Cytogenetic location: 16p13.3.
Variant type: single nucleotide variant.
Coding change: c.3029C>T on transcript NM_004380.3 (MANE Select); coding-DNA position 3029, C replaced by T.
Protein change: p.Pro1010Leu; replaces proline 1010 with leucine.
Molecular consequence: missense variant.
Genome position (GRCh38, 1-based): chr16:3,769,205, G>A on the plus strand (C>T on the coding strand, the complement: CREBBP is on the minus strand). VCF-style: chr16-3769205-G-A. GRCh37 (hg19) VCF-style: chr16-3819206-G-A.
Other names: c.2915C>T, p.Pro972Leu (NM_001079846.1); short protein forms P1010L, P972L.
Identifiers: ClinVar variation 133926 (VCV000133926.18), dbSNP rs139896431, ClinGen allele CA158172.